The following is an entry in ClinVar:

NM_153240.5(NPHP3):c.2752A>G (p.Met918Val)

Genes: NPHP3 (nephrocystin 3; minus strand), NPHP3-ACAD11 (NPHP3-ACAD11 readthrough (NMD candidate); minus strand). Cytogenetic location: 3q22.1.
Variant type: single nucleotide variant.
Coding change: c.2752A>G on transcript NM_153240.5 (MANE Select); coding-DNA position 2752, A replaced by G.
Protein change: p.Met918Val; replaces methionine 918 with valine.
Molecular consequence: missense variant. On other transcripts: non-coding transcript variant (1).
Genome position (GRCh38, 1-based): chr3:132,689,205, T>C on the plus strand (A>G on the coding strand, the complement: NPHP3 is on the minus strand). VCF-style: chr3-132689205-T-C. GRCh37 (hg19) VCF-style: chr3-132408049-T-C.
Other names: short protein forms M918V.
Identifiers: ClinVar variation 286705 (VCV000286705.17), dbSNP rs140594430, ClinGen allele CA2621934.

ClinVar aggregate classification (germline): Uncertain significance. Review status: criteria provided, multiple submitters, no conflicts (2 of 4 stars). 8 submissions from 6 submitters: Uncertain significance (8). Last evaluated 2025-05-26.

Conditions:
Nephronophthisis. Also called: Juvenile Nephronophthisis. Identifiers: Orphanet 655, MedGen C0687120, MONDO:0019005, HP:0000090.
Renal-hepatic-pancreatic dysplasia 1 (RHPD1). Identifiers: MedGen C3715199, MONDO:0008833, OMIM 208540.
Nephronophthisis 3 (NPHP3). Also called: Adolescent nephronophthisis. Identifiers: Orphanet 655, MedGen C1858392, MONDO:0011456, OMIM 604387.
NPHP3-related Meckel-like syndrome. Also called: Meckel syndrome type 7; GOLDSTON SYNDROME. Identifiers: Orphanet 3032, MedGen C2673885, MONDO:0009966, OMIM 267010.
Inborn genetic diseases. Identifiers: MedGen C0950123, MeSH D030342.

Allele frequency attached by ClinVar (database versions not stated): gnomAD 0.00002 and 0.00003; TOPMed 0.00003; gnomAD exomes 0.00004; ExAC 0.00005; ESP Exome Variant Server 0.00008.
gnomAD v4.1: 62 of 1,614,174 alleles (0.0038%); highest among the groups gnomAD compares: Middle Eastern, 0.13%; no homozygotes.

Submissions (8):

Ambry Genetics
Classification: Uncertain significance for Inborn genetic diseases. Last evaluated: 2025-05-26. Review status: criteria provided, single submitter. Criteria: Ambry Variant Classification Scheme 2023. Collection method: clinical testing. Allele origin: germline.

Blueprint Genetics
Classification: Uncertain significance. Last evaluated: 2024-10-11. Review status: criteria provided, single submitter. Criteria: ACMG Guidelines, 2015. Collection method: clinical testing. Allele origin: germline.

Labcorp Genetics (formerly Invitae), Labcorp
Classification: Uncertain significance for Nephronophthisis. Last evaluated: 2023-09-25. Review status: criteria provided, single submitter. Criteria: Invitae Variant Classification Sherloc (09022015). Collection method: clinical testing. Allele origin: germline.
Comment: In summary, the available evidence is currently insufficient to determine the role of this variant in disease. Therefore, it has been classified as a Variant of Uncertain Significance. Advanced modeling of protein sequence and biophysical properties (such as structural, functional, and spatial information, amino acid conservation, physicochemical variation, residue mobility, and thermodynamic stability) performed at Invitae indicates that this missense variant is not expected to disrupt NPHP3 protein function. ClinVar contains an entry for this variant (Variation ID: 286705). This variant has not been reported in the literature in individuals affected with NPHP3-related conditions. This variant is present in population databases (rs140594430, gnomAD 0.006%). This sequence change replaces methionine, which is neutral and non-polar, with valine, which is neutral and non-polar, at codon 918 of the NPHP3 protein (p.Met918Val).

Revvity Omics, Revvity
Classification: Uncertain significance. Last evaluated: 2022-05-13. Review status: criteria provided, single submitter. Criteria: ACMG Guidelines, 2015. Collection method: clinical testing. Allele origin: germline.

Eurofins Ntd Llc (ga)
Classification: Uncertain significance. Last evaluated: 2018-01-29. Review status: criteria provided, single submitter. Criteria: EGL Classification Definitions 2015. Collection method: clinical testing. Allele origin: germline. Observed: 2 variant alleles, 2 heterozygotes.

Illumina Laboratory Services, Illumina
Classification: Uncertain significance for Nephronophthisis 3. Last evaluated: 2018-01-13. Review status: criteria provided, single submitter. Criteria: ICSL Variant Classification Criteria 13 December 2019. Collection method: clinical testing. Allele origin: germline.

Illumina Laboratory Services, Illumina
Classification: Uncertain significance for Renal-hepatic-pancreatic dysplasia 1. Last evaluated: 2018-01-13. Review status: criteria provided, single submitter. Criteria: ICSL Variant Classification Criteria 13 December 2019. Collection method: clinical testing. Allele origin: germline.

Illumina Laboratory Services, Illumina
Classification: Uncertain significance for NPHP3-related Meckel-like syndrome. Last evaluated: 2018-01-13. Review status: criteria provided, single submitter. Criteria: ICSL Variant Classification Criteria 13 December 2019. Collection method: clinical testing. Allele origin: germline.